The following is an entry in ClinVar:

ClinVar aggregate classification (germline): Likely benign. Review status: criteria provided, single submitter (1 of 4 stars). 3 submissions from 2 submitters: Likely benign (1). 2 of the submissions do not count toward it. Last evaluated 2021-03-17.

Conditions:
GABRG2-related disorder. Also called: GABRG2-related condition.

Submissions (3):

GeneDx
Classification: Likely benign. Last evaluated: 2021-03-17. Review status: criteria provided, single submitter. Criteria: GeneDx Variant Classification Process June 2021. Collection method: clinical testing. Allele origin: germline. Affected: yes.

PreventionGenetics, part of Exact Sciences
Classification: Benign for GABRG2-related condition. Last evaluated: 2024-08-26. Review status: no assertion criteria provided. Collection method: clinical testing. Allele origin: germline. Not counted in ClinVar's aggregate classification.
Comment: This variant is classified as benign based on ACMG/AMP sequence variant interpretation guidelines (Richards et al. 2015 PMID: 25741868, with internal and published modifications).

GeneDx
Classification: Benign. Last evaluated: 2013-07-24. Review status: flagged submission. Criteria: GeneDx Variant Classification (06012015). Collection method: clinical testing. Allele origin: germline. Affected: yes. Not counted in ClinVar's aggregate classification.
Comment: The variant is found in INFANT-EPI panel(s).
ClinVar note: Reason: This record appears to be redundant with a more recent record from the same submitter.
ClinVar note: Notes: SCV000241106 appears to be redundant with SCV001983301.

NM_198904.4(GABRG2):c.631+1209TTGTT[5]

Gene: GABRG2 (gamma-aminobutyric acid type A receptor subunit gamma2; plus strand). Cytogenetic location: 5q34.
Variant type: Microsatellite.
Coding change: c.631+1209TTGTT[5] on transcript NM_198904.4 (MANE Select); five copies in a row of the 5-base unit TTGTT starting at c.631+1209.
Molecular consequence: intron variant.
Genome position: GRCh38 VCF-style: chr5-162102525-G-GTTGTT. GRCh37 (hg19) VCF-style: chr5-161529531-G-GTTGTT.
Other names: c.346+1209TTGTT[5] (NM_001375349.1); c.632-28TTGTT[5] (NM_001375343.1, NM_198903.2); c.631+1209TTGTT[5] (NM_001375344.1, NM_001375340.1, NM_001375341.1 and 2 more transcripts); c.211+1209TTGTT[5] (NM_001375350.1, NM_001375348.1); c.622+1209TTGTT[5] (NM_001375339.1); c.565+1209TTGTT[5] (NM_001375346.1, NM_001375345.1); c.544+1209TTGTT[5] (NM_001375347.1); c.632-6_632-5insTTTTG (NM_198903.2); and 1 more.
Identifiers: ClinVar variation 205532 (VCV000205532.5), dbSNP rs1247520830, ClinGen allele CA314693.